The following is an entry in ClinVar:

ClinVar aggregate classification (germline): Conflicting classifications of pathogenicity. Review status: criteria provided, conflicting classifications (1 of 4 stars). 2 submissions from 2 submitters: Pathogenic (1); Uncertain significance (1). Last evaluated 2025-07-25.

Conditions:
Bethlem myopathy 2 (BTHLM2). Identifiers: Orphanet 536516, Orphanet 610, MedGen C4225313, MONDO:0034022, OMIM 616471.
Ullrich congenital muscular dystrophy 2 (UCMD2). Identifiers: Orphanet 75840, MedGen C4225314, MONDO:0014654, OMIM 616470.

Submissions (2):

Labcorp Genetics (formerly Invitae), Labcorp
Classification: Pathogenic for Bethlem myopathy 2; Ullrich congenital muscular dystrophy 2. Last evaluated: 2025-07-25. Review status: criteria provided, single submitter. Criteria: Invitae Variant Classification Sherloc (09022015). Collection method: clinical testing. Allele origin: germline.
Comment: This sequence change creates a premature translational stop signal (p.Val1632Alafs*14) in the COL12A1 gene. It is expected to result in an absent or disrupted protein product. Loss-of-function variants in COL12A1 are known to be pathogenic (PMID: 24334604, 28973083). This variant is not present in population databases (gnomAD no frequency). This variant has not been reported in the literature in individuals affected with COL12A1-related conditions. For these reasons, this variant has been classified as Pathogenic.

3billion
Classification: Uncertain significance for Bethlem myopathy 2. Last evaluated: 2024-10-08. Review status: criteria provided, single submitter. Criteria: ACMG Guidelines, 2015. Collection method: clinical testing. Allele origin: germline. Affected: yes.
Comment: The variant is not observed in the gnomAD v4.1.0 dataset. Predicted Consequence/Location: Frameshift: predicted to result in a loss or disruption of normal protein function through nonsense-mediated decay (NMD) or protein truncation. Multiple pathogenic variants are reported downstream of the variant. Therefore, this variant is classified as VUS according to the recommendation of ACMG/AMP guideline.

Literature cited by the submitters: PubMed 24334604 (cited by Labcorp Genetics (formerly Invitae), Labcorp); PubMed 28973083 (cited by Labcorp Genetics (formerly Invitae), Labcorp).

NM_004370.6(COL12A1):c.4895_4898del (p.Val1632fs)

Gene: COL12A1 (collagen type XII alpha 1 chain; minus strand). Cytogenetic location: 6q13.
Variant type: Deletion.
Coding change: c.4895_4898del on transcript NM_004370.6 (MANE Select); coding-DNA positions 4895 to 4898, 4 bases deleted (TCAG; older notation c.4895_4898delTCAG).
Protein change: p.Val1632fs; shifts the reading frame from valine 1632.
Molecular consequence: frameshift variant.
Genome position (GRCh38, 1-based): chr6:75,142,091-75,142,094, CTGA deleted on the plus strand (TCAG on the coding strand, the reverse complement: COL12A1 is on the minus strand); deleting any 4 consecutive bases within chr6:75,142,091-75,142,097 gives the same sequence; the c. name uses the placement nearest the transcript's 3' end. VCF-style (leftmost placement, unchanged base first): chr6-75142090-GCTGA-G. GRCh37 (hg19) VCF-style: chr6-75851806-GCTGA-G.
Other names: c.4895_4898del, p.Val1632fs (NM_001424113.1, NM_001424114.1); c.4622_4625del, p.Val1541fs (NM_001424115.1); c.1403_1406del, p.Val468fs (NM_001424116.1, NM_080645.3); short protein forms V1541fs, V1632fs, V468fs.
Identifiers: ClinVar variation 4293417 (VCV004293417.2).